The following is an entry in ClinVar:

NM_004360.5(CDH1):c.2019G>C (p.Gln673His)

Gene: CDH1 (cadherin 1; plus strand). Cytogenetic location: 16q22.1.
Variant type: single nucleotide variant.
Coding change: c.2019G>C on transcript NM_004360.5 (MANE Select); coding-DNA position 2019, G replaced by C.
Protein change: p.Gln673His; replaces glutamine 673 with histidine.
Molecular consequence: missense variant.
Genome position (GRCh38, 1-based): chr16:68,823,481, G>C. VCF-style: chr16-68823481-G-C. GRCh37 (hg19) VCF-style: chr16-68857384-G-C.
Other names: c.2019G>C (LRG_301t1); c.1836G>C, p.Gln612His (NM_001317184.2); c.471G>C, p.Gln157His (NM_001317185.2); c.54G>C, p.Gln18His (NM_001317186.2); short protein forms Q157H, Q612H, Q673H, Q18H.
Identifiers: ClinVar variation 645826 (VCV000645826.10), dbSNP rs1596965752, ClinGen allele CA396467681.
Genomic context (GRCh38, chr16:68,823,481, plus strand): 5'-GCCAAAGATGGCCTTAGAGGTGGGTGACTACAAAATCAATCTCAAGCTCATGGATAACCA[G>C]AATAAAGACCAAGTGACCACCTTAGAGGTCAGCGTGTGTGACTGTGAAGGGGCCGCTGGC-3'
Protein context (NP_004351.1, residues 663-683): YKINLKLMDN[Gln673His]NKDQVTTLEV

ClinVar aggregate classification (germline): Uncertain significance. Review status: criteria provided, multiple submitters, no conflicts (2 of 4 stars). 3 submissions from 3 submitters: Uncertain significance (3). Last evaluated 2026-01-01.

Conditions:
Hereditary cancer-predisposing syndrome. Also called: Neoplastic Syndromes, Hereditary; Hereditary Cancer Syndrome; Hereditary neoplastic syndrome; Tumor predisposition. Identifiers: Orphanet 140162, MedGen C0027672, MeSH D009386, MONDO:0015356.
Hereditary diffuse gastric adenocarcinoma (HDGC). Also called: DIFFUSE GASTRIC AND LOBULAR BREAST CANCER SYNDROME. Identifiers: Orphanet 26106, MedGen C1708349, MONDO:0007648, OMIM 137215.

Allele frequency attached by ClinVar (database versions not stated): gnomAD exomes below 0.00001.
gnomAD v4.1: 4 of 1,614,078 alleles (0.00025%); highest among the groups gnomAD compares: Non-Finnish European, 0.00025%; no homozygotes.

Submissions (3):

Labcorp Genetics (formerly Invitae), Labcorp
Classification: Uncertain significance for Hereditary diffuse gastric adenocarcinoma. Last evaluated: 2026-01-01. Review status: criteria provided, single submitter. Criteria: Invitae Variant Classification Sherloc (09022015). Collection method: clinical testing. Allele origin: germline.
Comment: This sequence change replaces glutamine, which is neutral and polar, with histidine, which is basic and polar, at codon 673 of the CDH1 protein (p.Gln673His). This variant is not present in population databases (gnomAD no frequency). This variant has not been reported in the literature in individuals affected with CDH1-related conditions. ClinVar contains an entry for this variant (Variation ID: 645826). An algorithm developed to predict the effect of missense changes on protein structure and function (PolyPhen-2) suggests that this variant is likely to be disruptive. In summary, the available evidence is currently insufficient to determine the role of this variant in disease. Therefore, it has been classified as a Variant of Uncertain Significance.

Ambry Genetics
Classification: Uncertain significance for Hereditary cancer-predisposing syndrome. Last evaluated: 2025-03-28. Review status: criteria provided, single submitter. Criteria: Ambry Variant Classification Scheme 2023. Collection method: clinical testing. Allele origin: germline.
Comment: The p.Q673H variant (also known as c.2019G>C), located in coding exon 13 of the CDH1 gene, results from a G to C substitution at nucleotide position 2019. The glutamine at codon 673 is replaced by histidine, an amino acid with highly similar properties. This amino acid position is well conserved in available vertebrate species. In addition, this alteration is predicted to be tolerated by in silico analysis. Based on the available evidence, the clinical significance of this variant remains unclear.

GeneDx
Classification: Uncertain significance. Last evaluated: 2023-03-29. Review status: criteria provided, single submitter. Criteria: GeneDx Variant Classification Process June 2021. Collection method: clinical testing. Allele origin: germline. Affected: yes.
Comment: Not observed at significant frequency in large population cohorts (gnomAD); In silico analysis supports that this missense variant does not alter protein structure/function; Has not been previously published as pathogenic or benign to our knowledge; This variant is associated with the following publications: (PMID: 15235021, 22850631)